The following is an entry in ClinVar:

NM_014550.4(CARD10):c.1347T>G (p.Val449=)

Gene: CARD10 (caspase recruitment domain family member 10; minus strand). Cytogenetic location: 22q13.1.
Variant type: single nucleotide variant.
Coding change: c.1347T>G on transcript NM_014550.4 (MANE Select); coding-DNA position 1347, T replaced by G.
Protein change: p.Val449=; no amino-acid change (valine 449 retained).
Molecular consequence: synonymous variant.
Genome position (GRCh38, 1-based): chr22:37,506,228, A>C on the plus strand (T>G on the coding strand, the complement: CARD10 is on the minus strand). VCF-style: chr22-37506228-A-C. GRCh37 (hg19) VCF-style: chr22-37902235-A-C.
Other names: NC_000022.10:g.37902235A>C.
Identifiers: ClinVar variation 3057027 (VCV003057027.3), dbSNP rs61742320, ClinGen allele CA10219888.

ClinVar aggregate classification (germline): Benign (0 of 4 stars; one submission).

Conditions:
CARD10-related disorder. Also called: CARD10-related condition.

Allele frequency attached by ClinVar (database versions not stated): gnomAD exomes 0.00885; gnomAD 0.06314; 1000 Genomes Project 0.06829; TOPMed 0.07100; 1000 Genomes Project 30x 0.07136; ESP Exome Variant Server 0.07389.
gnomAD v4.1: 22,784 of 1,595,330 alleles (1.4%); highest among the groups gnomAD compares: African/African-American, 21%; 1,731 homozygotes.

Submissions (14):

PreventionGenetics, part of Exact Sciences
Classification: Benign for CARD10-related condition. Last evaluated: 2019-09-18. Review status: no assertion criteria provided. Collection method: clinical testing. Allele origin: germline.
Comment: This variant is classified as benign based on ACMG/AMP sequence variant interpretation guidelines (Richards et al. 2015 PMID: 25741868, with internal and published modifications).

Dr. Peter K. Rogan Lab, Western University
No classification provided (evidence only). Condition: Melanoma. Review status: no classification provided. Collection method: in vitro. Allele origin: not applicable. Functional consequence: retained intron. Not counted in ClinVar's aggregate classification.

Dr. Peter K. Rogan Lab, Western University
No classification provided (evidence only). Condition: Cervical cancer. Review status: no classification provided. Collection method: in vitro. Allele origin: not applicable. Functional consequence: retained intron. Not counted in ClinVar's aggregate classification.

Dr. Peter K. Rogan Lab, Western University
No classification provided (evidence only). Condition: Cervical cancer. Review status: no classification provided. Collection method: in vitro. Allele origin: not applicable. Functional consequence: retained intron. Not counted in ClinVar's aggregate classification.

Dr. Peter K. Rogan Lab, Western University
No classification provided (evidence only). Condition: Sarcoma. Review status: no classification provided. Collection method: in vitro. Allele origin: not applicable. Functional consequence: retained intron. Not counted in ClinVar's aggregate classification.

Dr. Peter K. Rogan Lab, Western University
No classification provided (evidence only). Condition: Sarcoma. Review status: no classification provided. Collection method: in vitro. Allele origin: not applicable. Functional consequence: retained intron. Not counted in ClinVar's aggregate classification.

Dr. Peter K. Rogan Lab, Western University
No classification provided (evidence only). Condition: Sarcoma. Review status: no classification provided. Collection method: in vitro. Allele origin: not applicable. Functional consequence: retained intron. Not counted in ClinVar's aggregate classification.

Dr. Peter K. Rogan Lab, Western University
No classification provided (evidence only). Condition: Thymoma. Review status: no classification provided. Collection method: in vitro. Allele origin: not applicable. Functional consequence: retained intron. Not counted in ClinVar's aggregate classification.

Dr. Peter K. Rogan Lab, Western University
No classification provided (evidence only). Condition: Ovarian serous cystadenocarcinoma. Review status: no classification provided. Collection method: in vitro. Allele origin: not applicable. Functional consequence: retained intron. Not counted in ClinVar's aggregate classification.

Dr. Peter K. Rogan Lab, Western University
No classification provided (evidence only). Condition: Ovarian serous cystadenocarcinoma. Review status: no classification provided. Collection method: in vitro. Allele origin: not applicable. Functional consequence: retained intron. Not counted in ClinVar's aggregate classification.

Dr. Peter K. Rogan Lab, Western University
No classification provided (evidence only). Condition: Ovarian serous cystadenocarcinoma. Review status: no classification provided. Collection method: in vitro. Allele origin: not applicable. Functional consequence: retained intron. Not counted in ClinVar's aggregate classification.

Dr. Peter K. Rogan Lab, Western University
No classification provided (evidence only). Condition: Gastric cancer. Review status: no classification provided. Collection method: in vitro. Allele origin: not applicable. Functional consequence: retained intron. Not counted in ClinVar's aggregate classification.

Dr. Peter K. Rogan Lab, Western University
No classification provided (evidence only). Condition: Malignant tumor of esophagus. Review status: no classification provided. Collection method: in vitro. Allele origin: not applicable. Functional consequence: retained intron. Not counted in ClinVar's aggregate classification.

Dr. Peter K. Rogan Lab, Western University
No classification provided (evidence only). Condition: Malignant tumor of esophagus. Review status: no classification provided. Collection method: in vitro. Allele origin: not applicable. Functional consequence: retained intron. Not counted in ClinVar's aggregate classification.